The following is an entry in ClinVar:

ClinVar aggregate classification (germline): Uncertain significance (1 of 4 stars; one submission).

Submission:

Ambry Genetics
Classification: Uncertain significance. Last evaluated: 2024-12-19. Review status: criteria provided, single submitter. Criteria: Ambry Variant Classification Scheme 2023. Collection method: clinical testing. Allele origin: germline.
Comment: The p.S2086N variant (also known as c.6257G>A), located in coding exon 26 of the WNK2 gene, results from a G to A substitution at nucleotide position 6257. The serine at codon 2086 is replaced by asparagine, an amino acid with highly similar properties. This amino acid position is conserved. In addition, this alteration is predicted to be tolerated by in silico analysis. Based on the available evidence, the clinical significance of this variant remains unclear.

NM_006648.4(WNK2):c.6257G>A (p.Ser2086Asn)

Gene: WNK2 (WNK lysine deficient protein kinase 2; plus strand). Cytogenetic location: 9q22.31.
Variant type: single nucleotide variant.
Coding change: c.6257G>A on transcript NM_006648.4 (MANE Select); coding-DNA position 6257, G replaced by A.
Protein change: p.Ser2086Asn; replaces serine 2086 with asparagine.
Molecular consequence: missense variant.
Genome position (GRCh38, 1-based): chr9:93,306,819, G>A. VCF-style: chr9-93306819-G-A. GRCh37 (hg19) VCF-style: chr9-96069101-G-A.
Other names: c.6368G>A, p.Ser2123Asn (NM_001282394.3); short protein forms S2086N, S2123N.
Identifiers: ClinVar variation 3816532 (VCV003816532.1).
Genomic context (GRCh38, chr9:93,306,819, plus strand): 5'-TTTCTTTTTCCCTTGCAGGGTCTGCCCTGAAGCGTCTCTGCCTAGGCAAAGAACACAGCA[G>A]TAGTAATTATCCGGGTTTTTTCCCCTTTGTCCTCTCTCATCGCATGGGCTTTCTCGTGGC-3'
Protein context (NP_006639.3, residues 2076-2096): KRLCLGKEHS[Ser2086Asn]RSSTSSLAPG